The following is an entry in ClinVar:

NM_001172509.2(SATB2):c.1627del (p.Arg543fs)

Gene: SATB2 (SATB homeobox 2; minus strand). Cytogenetic location: 2q33.1.
Variant type: Deletion.
Coding change: c.1627del on transcript NM_001172509.2 (MANE Select); coding-DNA position 1627, one base deleted (C; older notation c.1627delC).
Protein change: p.Arg543fs; shifts the reading frame from arginine 543.
Molecular consequence: frameshift variant.
Genome position (GRCh38, 1-based): chr2:199,308,873, G deleted on the plus strand (C on the coding strand, the reverse complement: SATB2 is on the minus strand). VCF-style (leftmost placement, unchanged base first): chr2-199308872-CG-C. GRCh37 (hg19) VCF-style: chr2-200173595-CG-C.
Other names: c.1627del, p.Arg543fs (NM_001172517.1, NM_015265.4); short protein forms R543fs.
Identifiers: ClinVar variation 431132 (VCV000431132.3), dbSNP rs1135401803, ClinGen allele CA645372706.

ClinVar aggregate classification (germline): Pathogenic (1 of 4 stars; one submission).

Conditions:
Chromosome 2q32-q33 deletion syndrome (GLASS). Also called: 2q33.1 deletion syndrome; Glass syndrome. Identifiers: Orphanet 251019, MedGen C2676739, MONDO:0012864, OMIM 612313.

Submission:

Groupe Hospitalier Pitie Salpetriere, Uf Genomique Du Developpement, Assistance Publique Hopitaux de Paris Sorbonne Université
Classification: Pathogenic for Glass syndrome. Last evaluated: 2017-01-06. Review status: criteria provided, single submitter. Criteria: ACMG Guidelines, 2015. Collection method: clinical testing. Allele origin: de novo. Affected: yes. Observed: 1 variant allele.
Comment: Intellectual disability

Literature cited by the submitters: PubMed 28708303.